The following is an entry in ClinVar:

ClinVar aggregate classification (germline): Pathogenic (1 of 4 stars; one submission).

Conditions:
Cystic fibrosis (CF). Also called: MUCOVISCIDOSIS. Identifiers: Orphanet 586, MedGen C0010674, MONDO:0009061, OMIM 219700. Disease mechanism: loss of function.

Submission:

Centre of Medical Genetics, University Hospital Muenster
Classification: Pathogenic for Cystic fibrosis. Last evaluated: 2022-08-18. Review status: criteria provided, single submitter. Criteria: ACMG Guidelines, 2015. Collection method: clinical testing. Allele origin: unknown. Affected: yes. Observed: 1 variant allele, 1 homozygote.
Comment: ACMG categories: PVS1,PM2,PP3,PP4,PP5

NM_000492.4(CFTR):c.2619+2T>C

Gene: CFTR (CF transmembrane conductance regulator; plus strand). Cytogenetic location: 7q31.2.
Variant type: single nucleotide variant.
Coding change: c.2619+2T>C on transcript NM_000492.4 (MANE Select); the canonical splice donor site of the intron after coding-DNA position 2619, T replaced by C.
Molecular consequence: splice donor variant.
Genome position (GRCh38, 1-based): chr7:117,595,060, T>C. VCF-style: chr7-117595060-T-C. GRCh37 (hg19) VCF-style: chr7-117235114-T-C.
Identifiers: ClinVar variation 1708426 (VCV001708426.2), dbSNP rs397508407, ClinGen allele CA368984123.